The following is an entry in ClinVar:

ClinVar aggregate classification (germline): Uncertain significance. Review status: criteria provided, multiple submitters, no conflicts (2 of 4 stars). 2 submissions from 2 submitters: Uncertain significance (2). Last evaluated 2024-11-22.

Conditions:
Dilated cardiomyopathy 1G (CMD1G). Identifiers: Orphanet 154, MedGen C1858763, MONDO:0011400, OMIM 604145.
Autosomal recessive limb-girdle muscular dystrophy type 2J (LGMDR10). Also called: Limb-girdle muscular dystrophy, type 2J; MUSCULAR DYSTROPHY, LIMB-GIRDLE, AUTOSOMAL RECESSIVE 10. Identifiers: Orphanet 140922, MedGen C1837342, MONDO:0012127, OMIM 608807.
Cardiomyopathy (CMYO). Also called: Cardiomyopathies. Identifiers: Orphanet 167848, MedGen C0878544, MONDO:0004994, HP:0001638. Inheritance: Various modes of inheritance.

Allele frequency attached by ClinVar (database versions not stated): TOPMed below 0.00001; gnomAD exomes 0.00002 and 0.00005; ExAC 0.00005.
gnomAD v4.1: 25 of 1,613,998 alleles (0.0015%); highest among the groups gnomAD compares: South Asian, 0.024%; no homozygotes.

Submissions (2):

Labcorp Genetics (formerly Invitae), Labcorp
Classification: Uncertain significance for Dilated cardiomyopathy 1G; Autosomal recessive limb-girdle muscular dystrophy type 2J. Last evaluated: 2024-11-22. Review status: criteria provided, single submitter. Criteria: Invitae Variant Classification Sherloc (09022015). Collection method: clinical testing. Allele origin: germline.
Comment: This sequence change replaces isoleucine, which is neutral and non-polar, with leucine, which is neutral and non-polar, at codon 34142 of the TTN protein (p.Ile34142Leu). This variant is present in population databases (rs528796532, gnomAD 0.04%). This variant has not been reported in the literature in individuals affected with TTN-related conditions. ClinVar contains an entry for this variant (Variation ID: 1435580). Experimental studies and prediction algorithms are not available or were not evaluated, and the functional significance of this variant is currently unknown. This variant is located in the M band of TTN (PMID: 25589632). Non-truncating variants in this region may be relevant for neuromuscular disorders, but have not been definitively shown to cause cardiomyopathy (PMID: 23975875). In summary, the available evidence is currently insufficient to determine the role of this variant in disease. Therefore, it has been classified as a Variant of Uncertain Significance.

CHEO Genetics Diagnostic Laboratory, Children's Hospital of Eastern Ontario
Classification: Uncertain significance for Cardiomyopathy. Last evaluated: 2021-10-12. Review status: criteria provided, single submitter. Criteria: ACMG Guidelines, 2015. Collection method: clinical testing. Allele origin: germline.

Literature cited by the submitters: PubMed 25589632 (cited by Labcorp Genetics (formerly Invitae), Labcorp); PubMed 23975875 (cited by Labcorp Genetics (formerly Invitae), Labcorp).

NM_001267550.2(TTN):c.102424A>C (p.Ile34142Leu)

Genes: TTN (titin; minus strand), TTN-AS1 (TTN antisense RNA 1; plus strand). Cytogenetic location: 2q31.2.
Variant type: single nucleotide variant.
Coding change: c.102424A>C on transcript NM_001267550.2 (MANE Select); coding-DNA position 102424, A replaced by C.
Protein change: p.Ile34142Leu; replaces isoleucine 34142 with leucine.
Molecular consequence: missense variant.
Genome position (GRCh38, 1-based): chr2:178,534,191, T>G on the plus strand (A>C on the coding strand, the complement: TTN is on the minus strand). VCF-style: chr2-178534191-T-G. GRCh37 (hg19) VCF-style: chr2-179398918-T-G.
Other names: c.97501A>C, p.Ile32501Leu (NM_001256850.1); c.75229A>C, p.Ile25077Leu (NM_003319.4); c.94720A>C, p.Ile31574Leu (NM_133378.4); c.75604A>C, p.Ile25202Leu (NM_133432.3); c.75805A>C, p.Ile25269Leu (NM_133437.4); short protein forms I25077L, I31574L, I25202L, I25269L, I32501L, I34142L.
Identifiers: ClinVar variation 1435580 (VCV001435580.7), dbSNP rs528796532, ClinGen allele CA1985756.
Genomic context (GRCh38, chr2:178,534,191, plus strand): 5'-AATTTTCAATTTTGCATACATATTTGACATGTCCTCCTTCTTCACCAACTGCATGCATTA[T>G]CTGCCCAGAAACTGGGCCAATTTCAATGGATGCCACTTTAACTTTAGCAACACTCACTCC-3'
Protein context (NP_001254479.2, residues 34132-34152): SIEIGPVSGQ[Ile34142Leu]MHAVGEEGGH